The following is an entry in ClinVar:

NM_033419.5(PGAP3):c.711G>A (p.Val237=)

Gene: PGAP3 (post-GPI attachment to proteins phospholipase 3; minus strand). Cytogenetic location: 17q12.
Variant type: single nucleotide variant.
Coding change: c.711G>A on transcript NM_033419.5 (MANE Select); coding-DNA position 711, G replaced by A.
Protein change: p.Val237=; no amino-acid change (valine 237 retained).
Molecular consequence: synonymous variant. On other transcripts: intron variant (3).
Genome position (GRCh38, 1-based): chr17:39,673,239, C>T on the plus strand (G>A on the coding strand, the complement: PGAP3 is on the minus strand). VCF-style: chr17-39673239-C-T. GRCh37 (hg19) VCF-style: chr17-37829492-C-T.
Other names: c.558G>A, p.Val186= (NM_001291726.2); c.648G>A, p.Val216= (NM_001291728.2); c.433-373G>A (NM_001291733.2); c.495-373G>A (NM_001291732.2); c.558-373G>A (NM_001291730.2).
Identifiers: ClinVar variation 2973036 (VCV002973036.4), dbSNP rs1265526071, ClinGen allele CA499889690.
Genomic context (GRCh38, chr17:39,673,239, plus strand): 5'-CACGCACTTGCGCACGTGAGGCAGCCGCCGCTGGTTCCACAGGCACCAGGCCAGCCACCA[C>T]ACCACGTTGACCAGGCCTGGGTGCCAGTGGGGGCAGGAGAGACTCATTCCTTCGGCTCCT-3'
Protein context (NP_219487.3, residues 227-247): ANVAIGLVNV[Val237=]WWLAWCLWNQ

ClinVar aggregate classification (germline): Likely benign. Review status: criteria provided, multiple submitters, no conflicts (2 of 4 stars). 2 submissions from 2 submitters: Likely benign (2). Last evaluated 2026-08-01.

gnomAD v4.1: 6 of 1,560,864 alleles (0.00038%); highest among the groups gnomAD compares: Admixed American, 0.012%; no homozygotes.

Submissions (2):

CeGaT Center for Human Genetics Tuebingen
Classification: Likely benign. Last evaluated: 2026-08-01. Review status: criteria provided, single submitter. Criteria: CeGaT Center For Human Genetics Tuebingen Variant Classification Criteria Version 2. Collection method: clinical testing. Allele origin: germline. Affected: yes. Observed: 1 variant allele.
Comment: PGAP3: BP4, BP7

Labcorp Genetics (formerly Invitae), Labcorp
Classification: Likely benign. Last evaluated: 2024-12-16. Review status: criteria provided, single submitter. Criteria: Invitae Variant Classification Sherloc (09022015). Collection method: clinical testing. Allele origin: germline.